The following is an entry in ClinVar:

ClinVar aggregate classification (germline): Uncertain significance. Review status: criteria provided, multiple submitters, no conflicts (2 of 4 stars). 2 submissions from 2 submitters: Uncertain significance (2). Last evaluated 2025-04-15.

Conditions:
Inborn genetic diseases. Identifiers: MedGen C0950123, MeSH D030342.
Charcot-Marie-Tooth disease axonal type 2S. Also called: CHARCOT-MARIE-TOOTH DISEASE, AXONAL, AUTOSOMAL RECESSIVE, TYPE 2S; CHARCOT-MARIE-TOOTH NEUROPATHY, TYPE 2S. Identifiers: Orphanet 443073, MedGen C4015349, MONDO:0014511, OMIM 616155.
Autosomal recessive distal spinal muscular atrophy 1. Also called: NEURONOPATHY, DISTAL HEREDITARY MOTOR, HARDING TYPE VI; NEUROPATHY, DISTAL HEREDITARY MOTOR, AUTOSOMAL RECESSIVE 1; HMN VI; NEURONOPATHY, SEVERE INFANTILE AXONAL, WITH RESPIRATORY FAILURE; SEVERE INFANTILE AXONAL NEUROPATHY WITH RESPIRATORY FAILURE; SPINAL MUSCULAR ATROPHY, DIAPHRAGMATIC. Identifiers: Orphanet 98920, MedGen C1858517, MONDO:0011436, OMIM 604320.

Allele frequency attached by ClinVar (database versions not stated): gnomAD exomes below 0.00001.

Submissions (2):

Ambry Genetics
Classification: Uncertain significance for Inborn genetic diseases. Last evaluated: 2025-04-15. Review status: criteria provided, single submitter. Criteria: Ambry Variant Classification Scheme 2023. Collection method: clinical testing. Allele origin: germline.

Labcorp Genetics (formerly Invitae), Labcorp
Classification: Uncertain significance for Autosomal recessive distal spinal muscular atrophy 1; Charcot-Marie-Tooth disease axonal type 2S. Last evaluated: 2021-09-01. Review status: criteria provided, single submitter. Criteria: Invitae Variant Classification Sherloc (09022015). Collection method: clinical testing. Allele origin: germline.
Comment: This sequence change replaces asparagine with lysine at codon 982 of the IGHMBP2 protein (p.Asn982Lys). The asparagine residue is weakly conserved and there is a moderate physicochemical difference between asparagine and lysine. This variant is not present in population databases (ExAC no frequency). This variant has not been reported in the literature in individuals affected with IGHMBP2-related conditions. Advanced modeling of protein sequence and biophysical properties (such as structural, functional, and spatial information, amino acid conservation, physicochemical variation, residue mobility, and thermodynamic stability) performed at Invitae indicates that this missense variant is not expected to disrupt IGHMBP2 protein function. In summary, the available evidence is currently insufficient to determine the role of this variant in disease. Therefore, it has been classified as a Variant of Uncertain Significance.

NM_002180.3(IGHMBP2):c.2946C>G (p.Asn982Lys)

Gene: IGHMBP2 (immunoglobulin mu DNA binding protein 2; plus strand). Cytogenetic location: 11q13.3.
Variant type: single nucleotide variant.
Coding change: c.2946C>G on transcript NM_002180.3 (MANE Select); coding-DNA position 2946, C replaced by G.
Protein change: p.Asn982Lys; replaces asparagine 982 with lysine.
Molecular consequence: missense variant.
Genome position (GRCh38, 1-based): chr11:68,939,695, C>G. VCF-style: chr11-68939695-C-G. GRCh37 (hg19) VCF-style: chr11-68707163-C-G.
Other names: c.2946C>G (NM_002180.2); short protein forms N982K.
Identifiers: ClinVar variation 1015954 (VCV001015954.7), dbSNP rs865849237, ClinGen allele CA381655195.
Genomic context (GRCh38, chr11:68,939,695, plus strand): 5'-CCCAGCCAAGAGGGCCCAGCTGCAGAGGAGGCTGGATAAGAAGCTGAGTGAGCTCAGCAA[C>G]CAGAGGACCAGCCGGAGGAAGGAGAGGGGGACGTGACCGGCCGCATCCTTGCACGCCCCG-3'
Protein context (NP_002171.2, residues 972-992): RLDKKLSELS[Asn982Lys]QRTSRRKERG